The following is an entry in ClinVar:

ClinVar aggregate classification (germline): Uncertain significance (1 of 4 stars; one submission).

Conditions:
Cardiovascular phenotype. Identifiers: MedGen CN230736.

gnomAD v4.1: 9 of 1,614,160 alleles (0.00056%); highest among the groups gnomAD compares: Non-Finnish European, 0.00076%; no homozygotes.

Submission:

Ambry Genetics
Classification: Uncertain significance for Cardiovascular phenotype. Last evaluated: 2024-04-28. Review status: criteria provided, single submitter. Criteria: Ambry Variant Classification Scheme 2023. Collection method: clinical testing. Allele origin: germline.
Comment: The p.W827S variant (also known as c.2480G>C), located in coding exon 15 of the SCN10A gene, results from a G to C substitution at nucleotide position 2480. The tryptophan at codon 827 is replaced by serine, an amino acid with highly dissimilar properties. This amino acid position is conserved. In addition, the in silico prediction for this alteration is inconclusive. Based on the available evidence, the clinical significance of this variant remains unclear.

NM_006514.4(SCN10A):c.2480G>C (p.Trp827Ser)

Gene: SCN10A (sodium voltage-gated channel alpha subunit 10; minus strand). Cytogenetic location: 3p22.2.
Variant type: single nucleotide variant.
Coding change: c.2480G>C on transcript NM_006514.4 (MANE Select); coding-DNA position 2480, G replaced by C.
Protein change: p.Trp827Ser; replaces tryptophan 827 with serine.
Molecular consequence: missense variant.
Genome position (GRCh38, 1-based): chr3:38,728,702, C>G on the plus strand (G>C on the coding strand, the complement: SCN10A is on the minus strand). VCF-style: chr3-38728702-C-G. GRCh37 (hg19) VCF-style: chr3-38770193-C-G.
Other names: c.2480G>C, p.Trp827Ser (NM_001293306.2); c.2186G>C, p.Trp729Ser (NM_001293307.2); short protein forms W827S, W729S.
Identifiers: ClinVar variation 3316515 (VCV003316515.1).